The following is an entry in ClinVar:

NM_004525.3(LRP2):c.11177G>T (p.Arg3726Leu)

Gene: LRP2 (LDL receptor related protein 2; minus strand). Cytogenetic location: 2q31.1.
Variant type: single nucleotide variant.
Coding change: c.11177G>T on transcript NM_004525.3 (MANE Select); coding-DNA position 11177, G replaced by T.
Protein change: p.Arg3726Leu; replaces arginine 3726 with leucine.
Molecular consequence: missense variant.
Genome position (GRCh38, 1-based): chr2:169,172,101, C>A on the plus strand (G>T on the coding strand, the complement: LRP2 is on the minus strand). VCF-style: chr2-169172101-C-A. GRCh37 (hg19) VCF-style: chr2-170028611-C-A.
Other names: short protein forms R3726L.
Identifiers: ClinVar variation 1511956 (VCV001511956.4), dbSNP rs368370950, ClinGen allele CA1953152.

ClinVar aggregate classification (germline): Uncertain significance (1 of 4 stars; one submission).

Allele frequency attached by ClinVar (database versions not stated): ESP Exome Variant Server 0.00008.
gnomAD v4.1: 2 of 1,614,022 alleles (0.00012%); highest among the groups gnomAD compares: African/African-American, 0.0027%; no homozygotes.

Submission:

Labcorp Genetics (formerly Invitae), Labcorp
Classification: Uncertain significance. Last evaluated: 2021-09-25. Review status: criteria provided, single submitter. Criteria: Invitae Variant Classification Sherloc (09022015). Collection method: clinical testing. Allele origin: germline.
Comment: In summary, the available evidence is currently insufficient to determine the role of this variant in disease. Therefore, it has been classified as a Variant of Uncertain Significance. Advanced modeling of protein sequence and biophysical properties (such as structural, functional, and spatial information, amino acid conservation, physicochemical variation, residue mobility, and thermodynamic stability) performed at Invitae indicates that this missense variant is expected to disrupt LRP2 protein function. This variant has not been reported in the literature in individuals affected with LRP2-related conditions. This variant is present in population databases (rs368370950, ExAC 0.01%). This sequence change replaces arginine with leucine at codon 3726 of the LRP2 protein (p.Arg3726Leu). The arginine residue is highly conserved and there is a moderate physicochemical difference between arginine and leucine.